The following is an entry in ClinVar:

NM_007294.4(BRCA1):c.83T>A (p.Leu28Gln)

Gene: BRCA1 (BRCA1 DNA repair associated; minus strand). Cytogenetic location: 17q21.31.
Variant type: single nucleotide variant.
Coding change: c.83T>A on transcript NM_007294.4 (MANE Select); coding-DNA position 83, T replaced by A.
Protein change: p.Leu28Gln; replaces leucine 28 with glutamine.
Molecular consequence: missense variant. On other transcripts: non-coding transcript variant (1), intron variant (1).
Genome position (GRCh38, 1-based): chr17:43,115,777, A>T on the plus strand (T>A on the coding strand, the complement: BRCA1 is on the minus strand). VCF-style: chr17-43115777-A-T. GRCh37 (hg19) VCF-style: chr17-41267794-A-T.
Other names: c.-106T>A (NM_001407571.1, NM_001407853.1, NM_001407879.1 and 52 more transcripts); c.83T>A, p.Leu28Gln (NM_001407581.1, NM_001407582.1, NM_001407583.1 and 192 more transcripts); c.-175T>A (NM_001407694.1, NM_001407696.1, NM_001407724.1 and 13 more transcripts); c.-179T>A (NM_001407695.1, NM_001408465.1); c.-59T>A (NM_001407697.1, NM_001407725.1, NM_001407728.1 and 47 more transcripts); c.-55T>A (NM_001407841.1); c.-222T>A (NM_001407889.1, NM_001407900.1, NM_001408492.1); c.-221T>A (NM_001407960.1, NM_001407962.1, NM_001408510.1 and 1 more transcripts); and 2 more; short protein forms L28Q.
Identifiers: ClinVar variation 867782 (VCV000867782.3), dbSNP rs80357266, ClinGen allele CA10601987.

Conditions:
Breast-ovarian cancer, familial, susceptibility to, 1 (BROVCA1). Also called: BRCA1 Hereditary Breast and Ovarian Cancer; OVARIAN CANCER, SUSCEPTIBILITY TO. Identifiers: Orphanet 145, MedGen C2676676, MONDO:0011450, OMIM 604370. Disease mechanism: loss of function.

Submission:

Brotman Baty Institute, University of Washington
No classification provided (evidence only). Condition: Breast-ovarian cancer, familial 1. Review status: no classification provided. Collection method: in vitro. Allele origin: not applicable. Functional consequence: functionally_normal.
ClinVar note: "not provided" was previously submitted as the classification for the variant. However, the classification appeared to be based only on an observation of functional data so it was converted to no classification on 2025-07-30.